The following is an entry in ClinVar:

NM_004946.3(DOCK2):c.2893C>T (p.Leu965Phe)

Gene: DOCK2 (dedicator of cytokinesis 2; plus strand). Cytogenetic location: 5q35.1.
Variant type: single nucleotide variant.
Coding change: c.2893C>T on transcript NM_004946.3 (MANE Select); coding-DNA position 2893, C replaced by T.
Protein change: p.Leu965Phe; replaces leucine 965 with phenylalanine.
Molecular consequence: missense variant. On other transcripts: non-coding transcript variant (1).
Genome position (GRCh38, 1-based): chr5:169,983,161, C>T. VCF-style: chr5-169983161-C-T. GRCh37 (hg19) VCF-style: chr5-169410165-C-T.
Other names: short protein forms L965F.
Identifiers: ClinVar variation 1718597 (VCV001718597.5), dbSNP rs2532354244, ClinGen allele CA362203234.
Genomic context (GRCh38, chr5:169,983,161, plus strand): 5'-AACCAGATGGGTGACCAGCACTACTCCTTCTACATTGAGACCTTCCAGACCAGCTCTGAA[C>T]TTGTGGTGAGTCTGCAGGATGCTGGGGGTGAGGAAGAACTCTTCCATCTCTGGAACATGG-3'
Protein context (NP_004937.1, residues 955-975): YIETFQTSSE[Leu965Phe]VDFLMETFIM

ClinVar aggregate classification (germline): Uncertain significance (1 of 4 stars; one submission).

Conditions:
DOCK2 deficiency. Also called: Immunodeficiency 40. Identifiers: Orphanet 447737, MedGen C4225328, MONDO:0014637, OMIM 616433.

Submission:

Labcorp Genetics (formerly Invitae), Labcorp
Classification: Uncertain significance for DOCK2 deficiency. Last evaluated: 2022-07-19. Review status: criteria provided, single submitter. Criteria: Invitae Variant Classification Sherloc (09022015). Collection method: clinical testing. Allele origin: germline.
Comment: Algorithms developed to predict the effect of missense changes on protein structure and function (SIFT, PolyPhen-2, Align-GVGD) all suggest that this variant is likely to be tolerated. This variant has not been reported in the literature in individuals affected with DOCK2-related conditions. This variant is not present in population databases (gnomAD no frequency). This sequence change replaces leucine, which is neutral and non-polar, with phenylalanine, which is neutral and non-polar, at codon 965 of the DOCK2 protein (p.Leu965Phe). In summary, the available evidence is currently insufficient to determine the role of this variant in disease. Therefore, it has been classified as a Variant of Uncertain Significance.